The following is an entry in ClinVar:

ClinVar aggregate classification (germline): Likely pathogenic. Review status: criteria provided, multiple submitters, no conflicts (2 of 4 stars). 3 submissions from 3 submitters: Likely pathogenic (3). Last evaluated 2025-05-12.

Conditions:
KCNQ1-related disorder. Also called: KCNQ1-related disorders; KCNQ1-related condition. Identifiers: MedGen CN239322.
Long QT syndrome (LQTS). Identifiers: MedGen C0023976, MeSH D008133, MONDO:0002442. Disease mechanism: loss of function. Inheritance: Various modes of inheritance.

Submissions (3):

Labcorp Genetics (formerly Invitae), Labcorp
Classification: Likely pathogenic for Long QT syndrome. Last evaluated: 2025-05-12. Review status: criteria provided, single submitter. Criteria: Invitae Variant Classification Sherloc (09022015). Collection method: clinical testing. Allele origin: germline.
Comment: This variant, c.478_480del, results in the deletion of 1 amino acid(s) of the KCNQ1 protein (p.Glu160del), but otherwise preserves the integrity of the reading frame. This variant is not present in population databases (gnomAD no frequency). This variant has been observed in individuals with clinical features of long QT syndrome (PMID: 34860437; internal data). ClinVar contains an entry for this variant (Variation ID: 1343361). Experimental studies and prediction algorithms are not available or were not evaluated, and the functional significance of this variant is currently unknown. Algorithms developed to predict the effect of sequence changes on RNA splicing suggest that this variant may disrupt the consensus splice site. This variant disrupts a region of the KCNQ1 protein in which other variant(s) (p.Glu160Lys) have been observed in individuals with KCNQ1-related conditions (PMID: 22949429). This suggests that this is a clinically significant region of the protein, and that variants that disrupt it are likely to be disease-causing. In summary, the currently available evidence indicates that the variant is pathogenic, but additional data are needed to prove that conclusively. Therefore, this variant has been classified as Likely Pathogenic.

Blueprint Genetics
Classification: Likely pathogenic for KCNQ1-related disorders. Last evaluated: 2022-08-10. Review status: criteria provided, single submitter. Criteria: ACMG Guidelines, 2015. Collection method: clinical testing. Allele origin: germline. Affected: yes. Observed: 2 variant alleles.

Mayo Clinic Laboratories, Mayo Clinic
Classification: Likely pathogenic. Last evaluated: 2021-09-07. Review status: criteria provided, single submitter. Criteria: ACMG Guidelines, 2015. Collection method: clinical testing. Allele origin: germline.
Comment: PM1, PM2, PM4

Literature cited by the submitters: PubMed 34860437 (cited by Labcorp Genetics (formerly Invitae), Labcorp); PubMed 22949429 (cited by Labcorp Genetics (formerly Invitae), Labcorp); PubMed 18599533 (cited by Mayo Clinic Laboratories, Mayo Clinic); PubMed 26745405 (cited by Mayo Clinic Laboratories, Mayo Clinic); PubMed 28479515 (cited by Mayo Clinic Laboratories, Mayo Clinic); PubMed 32096762 (cited by Mayo Clinic Laboratories, Mayo Clinic).

NM_000218.2(KCNQ1):c.478_480del

Gene: KCNQ1 (potassium voltage-gated channel subfamily Q member 1; plus strand). Cytogenetic location: 11p15.5.
Variant type: Deletion.
Coding change: c.478_480del on transcript NM_000218.2; coding-DNA positions 478 to 480, 3 bases deleted (GAG; older notation c.478_480delGAG).
Molecular consequence: intron variant (on NM_001406838.1).
Genome position (GRCh38, 1-based): chr11:2,570,628-2,570,630, GAG deleted; deleting any 3 consecutive bases within chr11:2,570,626-2,570,630 gives the same sequence; the c. name uses the placement nearest the transcript's 3' end. VCF-style (leftmost placement, unchanged base first): chr11-2570625-CAGG-C. GRCh37 (hg19) VCF-style: chr11-2591855-CAGG-C.
Other names: p.Glu160del; c.478-12807_478-12805del (NM_001406838.1).
Identifiers: ClinVar variation 1343361 (VCV001343361.14), dbSNP rs2133726899, ClinGen allele CA2573053482.